The following is an entry in ClinVar:

ClinVar aggregate classification (germline): Uncertain significance (1 of 4 stars; one submission).

Conditions:
Inborn genetic diseases. Identifiers: MedGen C0950123, MeSH D030342.

Submission:

Ambry Genetics
Classification: Uncertain significance for Inborn genetic diseases. Last evaluated: 2025-03-05. Review status: criteria provided, single submitter. Criteria: Ambry Variant Classification Scheme 2023. Collection method: clinical testing. Allele origin: germline.
Comment: The p.E190K variant (also known as c.568G>A), located in coding exon 3 of the ERCC6L2 gene, results from a G to A substitution at nucleotide position 568. The glutamic acid at codon 190 is replaced by lysine, an amino acid with similar properties. This amino acid position is conserved. In addition, this alteration is predicted to be tolerated by in silico analysis. Based on the available evidence, the clinical significance of this variant remains unclear.

NM_020207.7(ERCC6L2):c.568G>A (p.Glu190Lys)

Gene: ERCC6L2 (ERCC excision repair 6 like 2; plus strand). Cytogenetic location: 9q22.32.
Variant type: single nucleotide variant.
Coding change: c.568G>A on transcript NM_020207.7 (MANE Select); coding-DNA position 568, G replaced by A.
Protein change: p.Glu190Lys; replaces glutamic acid 190 with lysine.
Molecular consequence: missense variant. On other transcripts: non-coding transcript variant (1).
Genome position (GRCh38, 1-based): chr9:95,897,945, G>A. VCF-style: chr9-95897945-G-A. GRCh37 (hg19) VCF-style: chr9-98660227-G-A.
Other names: c.568G>A, p.Glu190Lys (NM_001010895.4, NM_001375291.1, NM_001375292.1 and 2 more transcripts); short protein forms E190K.
Identifiers: ClinVar variation 3845979 (VCV003845979.1).